The following is an entry in ClinVar:

ClinVar aggregate classification (germline): Uncertain significance. Review status: criteria provided, multiple submitters, no conflicts (2 of 4 stars). 2 submissions from 2 submitters: Uncertain significance (2). Last evaluated 2015-09-15.

gnomAD v4.1: 1 of 1,569,544 alleles (0.000064%); highest among the groups gnomAD compares: Middle Eastern, 0.017%; no homozygotes.

Submissions (2):

GeneDx
Classification: Uncertain significance. Last evaluated: 2015-09-15. Review status: criteria provided, single submitter. Criteria: GeneDx Variant Classification (06012015). Collection method: clinical testing. Allele origin: germline. Affected: yes.
Comment: The P297A variant in the IL17RD gene has not been published as a pathogenic variant, nor has it been reported as a benign variant to our knowledge. The P297A variant was not observed in approximately 6500 individuals of European and African American ancestry in the NHLBI Exome Sequencing Project, indicating it is not a common benign variant in these populations. The P297A variant is a semi-conservative amino acid substitution, which may impact secondary protein structure as these residues differ in some properties. This substitution occurs at a position that is conserved across species. In silico analysis is inconsistent in its predictions as to whether or not the variant is damaging to the protein structure/function. We interpret P297A as a variant of uncertain significance.

Breakthrough Genomics
Classification: Uncertain significance. Review status: criteria provided, single submitter. Criteria: ACMG Guidelines, 2015. Collection method: not provided. Allele origin: germline. Inheritance: Autosomal recessive inheritance. Affected: yes.

NM_017563.5(IL17RD):c.889C>G (p.Pro297Ala)

Gene: IL17RD (interleukin 17 receptor D; minus strand). Cytogenetic location: 3p14.3.
Variant type: single nucleotide variant.
Coding change: c.889C>G on transcript NM_017563.5 (MANE Select); coding-DNA position 889, C replaced by G.
Protein change: p.Pro297Ala; replaces proline 297 with alanine.
Molecular consequence: missense variant.
Genome position (GRCh38, 1-based): chr3:57,102,569, G>C on the plus strand (C>G on the coding strand, the complement: IL17RD is on the minus strand). VCF-style: chr3-57102569-G-C. GRCh37 (hg19) VCF-style: chr3-57136597-G-C.
Other names: c.457C>G, p.Pro153Ala (NM_001318864.2); short protein forms P297A, P153A.
Identifiers: ClinVar variation 449250 (VCV000449250.3), dbSNP rs1024645438, ClinGen allele CA353315521.